The following is an entry in ClinVar:

NM_025144.4(ALPK1):c.1767del (p.Phe589fs)

Gene: ALPK1 (alpha kinase 1; plus strand). Cytogenetic location: 4q25.
Variant type: Deletion.
Coding change: c.1767del on transcript NM_025144.4 (MANE Select); coding-DNA position 1767, one base deleted (T; older notation c.1767delT).
Protein change: p.Phe589fs; shifts the reading frame from phenylalanine 589.
Molecular consequence: frameshift variant.
Genome position (GRCh38, 1-based): chr4:112,431,314, T deleted; the last of 3 consecutive T bases (chr4:112,431,312-112,431,314); deleting any one gives the same sequence. VCF-style (leftmost placement, unchanged base first): chr4-112431311-GT-G. GRCh37 (hg19) VCF-style: chr4-113352467-GT-G.
Other names: c.1767del, p.Phe589fs (NM_001102406.2); c.1533del, p.Phe511fs (NM_001253884.2); short protein forms F511fs, F589fs.
Identifiers: ClinVar variation 4728024 (VCV004728024.1).

ClinVar aggregate classification (germline): Uncertain significance (1 of 4 stars; one submission).

Submission:

Labcorp Genetics (formerly Invitae), Labcorp
Classification: Uncertain significance. Last evaluated: 2025-09-28. Review status: criteria provided, single submitter. Criteria: Invitae Variant Classification Sherloc (09022015). Collection method: clinical testing. Allele origin: germline.
Comment: This sequence change creates a premature translational stop signal (p.Phe589Leufs*10) in the ALPK1 gene. It is expected to result in an absent or disrupted protein product. However, the current clinical and genetic evidence is not sufficient to establish whether loss-of-function variants in ALPK1 cause disease. This variant is not present in population databases (gnomAD no frequency). This variant has not been reported in the literature in individuals affected with ALPK1-related conditions. In summary, the available evidence is currently insufficient to determine the role of this variant in disease. Therefore, it has been classified as a Variant of Uncertain Significance.